The following is an entry in ClinVar:

ClinVar aggregate classification (germline): Uncertain significance (1 of 4 stars; one submission).

Conditions:
Breast-ovarian cancer, familial, susceptibility to, 1 (BROVCA1). Also called: BRCA1 Hereditary Breast and Ovarian Cancer; OVARIAN CANCER, SUSCEPTIBILITY TO. Identifiers: Orphanet 145, MedGen C2676676, MONDO:0011450, OMIM 604370. Disease mechanism: loss of function.

Submission:

All of Us Research Program, National Institutes of Health
Classification: Uncertain significance for Breast-ovarian cancer, familial, susceptibility to, 1. Last evaluated: 2023-12-11. Review status: criteria provided, single submitter. Criteria: ACMG Guidelines, 2015. Collection method: clinical testing. Allele origin: germline. Inheritance: Autosomal dominant inheritance. Observed: 1 variant allele, 1 heterozygote.
Comment: This study involves interpretation of variants in research participants for the purpose of population health screening. Participant phenotype was not available at the time of variant classification. Additional details can be found in publication PMID: 35346344, PMCID: PMC8962531

NM_007294.4(BRCA1):c.1484A>G (p.Glu495Gly)

Gene: BRCA1 (BRCA1 DNA repair associated; minus strand). Cytogenetic location: 17q21.31.
Variant type: single nucleotide variant.
Coding change: c.1484A>G on transcript NM_007294.4 (MANE Select); coding-DNA position 1484, A replaced by G.
Protein change: p.Glu495Gly; replaces glutamic acid 495 with glycine.
Molecular consequence: missense variant. On other transcripts: intron variant (137).
Genome position (GRCh38, 1-based): chr17:43,094,047, T>C on the plus strand (A>G on the coding strand, the complement: BRCA1 is on the minus strand). VCF-style: chr17-43094047-T-C. GRCh37 (hg19) VCF-style: chr17-41246064-T-C.
Other names: c.1274A>G, p.Glu425Gly (NM_001407885.1, NM_001407886.1, NM_001407887.1 and 13 more transcripts); c.1271A>G, p.Glu424Gly (NM_001407894.1, NM_001407895.1, NM_001407896.1 and 9 more transcripts); c.1361A>G, p.Glu454Gly (NM_001407919.1, NM_001407937.1, NM_001407938.1 and 19 more transcripts); c.1220A>G, p.Glu407Gly (NM_001407920.1, NM_001407921.1, NM_001407922.1 and 9 more transcripts); c.1217A>G, p.Glu406Gly (NM_001407936.1, NM_001407930.1, NM_001407931.1 and 2 more transcripts); c.1358A>G, p.Glu453Gly (NM_001407940.1, NM_001407941.1, NM_001407671.1 and 11 more transcripts); c.1343A>G, p.Glu448Gly (NM_001407942.1, NM_007297.4, NM_001407850.1 and 29 more transcripts); c.1340A>G, p.Glu447Gly (NM_001407943.1, NM_001407964.1, NM_001407740.1 and 20 more transcripts); and 40 more; short protein forms E199G, E327G, E367G, E368G, E383G, E384G, E406G, E407G.
Identifiers: ClinVar variation 3074420 (VCV003074420.1), dbSNP rs1567799498, ClinGen allele CA10599077.